The following is an entry in ClinVar:

NM_006231.4(POLE):c.2955C>A (p.Phe985Leu)

Gene: POLE (DNA polymerase epsilon, catalytic subunit; minus strand). Cytogenetic location: 12q24.33.
Variant type: single nucleotide variant.
Coding change: c.2955C>A on transcript NM_006231.4 (MANE Select); coding-DNA position 2955, C replaced by A.
Protein change: p.Phe985Leu; replaces phenylalanine 985 with leucine.
Molecular consequence: missense variant.
Genome position (GRCh38, 1-based): chr12:132,661,074, G>T on the plus strand (C>A on the coding strand, the complement: POLE is on the minus strand). VCF-style: chr12-132661074-G-T. GRCh37 (hg19) VCF-style: chr12-133237660-G-T.
Other names: short protein forms F985L.
Identifiers: ClinVar variation 2503347 (VCV002503347.1), dbSNP rs2138690807, ClinGen allele CA387392505.

ClinVar aggregate classification (germline): Uncertain significance (1 of 4 stars; one submission).

Submission:

GeneDx
Classification: Uncertain significance. Last evaluated: 2022-11-25. Review status: criteria provided, single submitter. Criteria: GeneDx Variant Classification Process June 2021. Collection method: clinical testing. Allele origin: germline. Affected: yes.
Comment: Not observed at significant frequency in large population cohorts (gnomAD); In silico analysis supports that this missense variant has a deleterious effect on protein structure/function; Has not been previously published as pathogenic or benign to our knowledge